The following is an entry in ClinVar:

ClinVar aggregate classification (germline): Uncertain significance (1 of 4 stars; one submission).

Allele frequency attached by ClinVar (database versions not stated): gnomAD exomes below 0.00001 and 0.00002; TOPMed 0.00001; gnomAD 0.00002.
gnomAD v4.1: 34 of 1,613,556 alleles (0.0021%); highest among the groups gnomAD compares: Non-Finnish European, 0.0029%; no homozygotes.

Submission:

Labcorp Genetics (formerly Invitae), Labcorp
Classification: Uncertain significance. Last evaluated: 2023-06-05. Review status: criteria provided, single submitter. Criteria: Invitae Variant Classification Sherloc (09022015). Collection method: clinical testing. Allele origin: germline.
Comment: This variant is present in population databases (no rsID available, gnomAD 0.0009%). This sequence change replaces cysteine, which is neutral and slightly polar, with arginine, which is basic and polar, at codon 25 of the GNB3 protein (p.Cys25Arg). In summary, the available evidence is currently insufficient to determine the role of this variant in disease. Therefore, it has been classified as a Variant of Uncertain Significance. Advanced modeling of protein sequence and biophysical properties (such as structural, functional, and spatial information, amino acid conservation, physicochemical variation, residue mobility, and thermodynamic stability) performed at Invitae indicates that this missense variant is not expected to disrupt GNB3 protein function. ClinVar contains an entry for this variant (Variation ID: 850489). This variant has not been reported in the literature in individuals affected with GNB3-related conditions.

NM_002075.4(GNB3):c.73T>C (p.Cys25Arg)

Gene: GNB3 (G protein subunit beta 3; plus strand). Cytogenetic location: 12p13.31.
Variant type: single nucleotide variant.
Coding change: c.73T>C on transcript NM_002075.4 (MANE Select); coding-DNA position 73, T replaced by C.
Protein change: p.Cys25Arg; replaces cysteine 25 with arginine.
Molecular consequence: missense variant.
Genome position (GRCh38, 1-based): chr12:6,841,601, T>C. VCF-style: chr12-6841601-T-C. GRCh37 (hg19) VCF-style: chr12-6950765-T-C.
Other names: c.73T>C, p.Cys25Arg (NM_001297571.2); short protein forms C25R.
Identifiers: ClinVar variation 850489 (VCV000850489.11), dbSNP rs1002316792, ClinGen allele CA232397804.